The following is an entry in ClinVar:

ClinVar aggregate classification (germline): Likely benign. Review status: criteria provided, multiple submitters, no conflicts (2 of 4 stars). 2 submissions from 2 submitters: Likely benign (2). Last evaluated 2025-12-06.

Conditions:
Familial cold autoinflammatory syndrome 3 (FCAS3). Also called: FAMILIAL ATYPICAL COLD URTICARIA; ANTIBODY DEFICIENCY AND IMMUNE DYSREGULATION, PLCG2-ASSOCIATED. Identifiers: Orphanet 300359, MedGen C3280914, MONDO:0013766, OMIM 614468.

Allele frequency attached by ClinVar (database versions not stated): gnomAD 0.00001; gnomAD exomes 0.00002 and 0.00005; TOPMed 0.00002; ExAC 0.00004; ESP Exome Variant Server 0.00008.
gnomAD v4.1: 35 of 1,613,944 alleles (0.0022%); highest among the groups gnomAD compares: Non-Finnish European, 0.00034%; no homozygotes.

Submissions (2):

Labcorp Genetics (formerly Invitae), Labcorp
Classification: Likely benign for Familial cold autoinflammatory syndrome 3. Last evaluated: 2025-12-06. Review status: criteria provided, single submitter. Criteria: Invitae Variant Classification Sherloc (09022015). Collection method: clinical testing. Allele origin: germline.

Women's Health and Genetics/Laboratory Corporation of America, LabCorp
Classification: Likely benign. Last evaluated: 2025-05-20. Review status: criteria provided, single submitter. Criteria: LabCorp Variant Classification Summary - May 2015. Collection method: clinical testing. Allele origin: germline.
Comment: Variant summary: PLCG2 c.2201C>T (p.Pro734Leu) results in a non-conservative amino acid change in the encoded protein sequence. Algorithms developed to predict the effect of missense changes on protein structure and function all suggest that this variant is likely to be disruptive. The variant allele was found at a frequency of 4.8e-05 in 249470 control chromosomes (gnomAD). The observed variant frequency is approximately 48 fold of the estimated maximal expected allele frequency for a pathogenic variant in PLCG2 causing Autoinflammation-PLCG2-associated antibody deficiency-immune dysregulation phenotype (1e-06). To our knowledge, no occurrence of c.2201C>T in individuals affected with Autoinflammation-PLCG2-associated antibody deficiency-immune dysregulation and no experimental evidence demonstrating its impact on protein function have been reported. ClinVar contains an entry for this variant (Variation ID: 1640829). Based on the evidence outlined above, the variant was classified as likely benign.

NM_002661.5(PLCG2):c.2201C>T (p.Pro734Leu)

Gene: PLCG2 (phospholipase C gamma 2; plus strand). Cytogenetic location: 16q23.3.
Variant type: single nucleotide variant.
Coding change: c.2201C>T on transcript NM_002661.5 (MANE Select); coding-DNA position 2201, C replaced by T.
Protein change: p.Pro734Leu; replaces proline 734 with leucine.
Molecular consequence: missense variant.
Genome position (GRCh38, 1-based): chr16:81,919,630, C>T. VCF-style: chr16-81919630-C-T. GRCh37 (hg19) VCF-style: chr16-81953235-C-T.
Other names: short protein forms P734L.
Identifiers: ClinVar variation 1640829 (VCV001640829.9), dbSNP rs199516791, ClinGen allele CA8194113.
Genomic context (GRCh38, chr16:81,919,630, plus strand): 5'-TGGAGCTCGTCAGTTACTACGAGAAGCATTCACTCTACCGAAAGATGAGACTGCGCTACC[C>T]CGTGACCCCCGAGCTCCTGGAGCGCTACAATATGGTAGGTGGTGGACTCCCTTGTGATTT-3'
Protein context (NP_002652.2, residues 724-744): SLYRKMRLRY[Pro734Leu]VTPELLERYN